The following is an entry in ClinVar:

ClinVar aggregate classification (germline): Pathogenic/Likely pathogenic. Review status: criteria provided, multiple submitters, no conflicts (2 of 4 stars). 12 submissions from 12 submitters: Pathogenic (6); Likely pathogenic (4). 2 of the submissions do not count toward it. Last evaluated 2026-01-25.

Conditions:
PMM2-congenital disorder of glycosylation. Also called: PMM2-CDG; Congenital disorder of glycosylation, type Ia; CDG Ia; JAEKEN SYNDROME; PHOSPHOMANNOMUTASE 2 DEFICIENCY; CARBOHYDRATE-DEFICIENT GLYCOPROTEIN SYNDROME, TYPE Ia. Identifiers: Orphanet 79318, MedGen C0349653, MONDO:0008907, OMIM 212065.

Allele frequency attached by ClinVar (database versions not stated): gnomAD 0.00008 and 0.00006; gnomAD exomes 0.00016; 1000 Genomes Project 30x 0.00031; ExAC 0.00038; 1000 Genomes Project 0.00040; TOPMed 0.00007.
gnomAD v4.1: 53 of 1,566,774 alleles (0.0034%); highest among the groups gnomAD compares: East Asian, 0.11%; no homozygotes.

Submissions (12):

Labcorp Genetics (formerly Invitae), Labcorp
Classification: Pathogenic for PMM2-congenital disorder of glycosylation. Last evaluated: 2026-01-25. Review status: criteria provided, single submitter. Criteria: Invitae Variant Classification Sherloc (09022015). Collection method: clinical testing. Allele origin: germline.
Comment: This sequence change replaces phenylalanine, which is neutral and non-polar, with leucine, which is neutral and non-polar, at codon 144 of the PMM2 protein (p.Phe144Leu). This variant is present in population databases (rs150719105, gnomAD 0.2%). This missense change has been observed in individual(s) with PMM2-related disease (PMID: 10066032, 28122681, 30687093). It has also been observed to segregate with disease in related individuals. ClinVar contains an entry for this variant (Variation ID: 197658). Invitae Evidence Modeling of protein sequence and biophysical properties (such as structural, functional, and spatial information, amino acid conservation, physicochemical variation, residue mobility, and thermodynamic stability) indicates that this missense variant is expected to disrupt PMM2 protein function with a positive predictive value of 95%. For these reasons, this variant has been classified as Pathogenic.

Natera, Inc.
Classification: Pathogenic for Congenital disorder of glycosylation type 1a. Last evaluated: 2025-11-20. Review status: criteria provided, single submitter. Criteria: Natera Variant Classification Schema (03/2026). Collection method: clinical testing. Allele origin: germline.
Comment: The c.430T>C variant in PMM2 is a missense variant predicted to cause substitution of phenylalanine to leucine at amino acid 144. This variant is rare in the general population with a frequency below the threshold expected for the associated phenotype(s). This variant has been observed in one or more individuals affected with the associated recessive disease, as either homozygous or compound heterozygous with a second variant (PMID: 28122681, 33176815). Additionally, this variant has been observed to segregate in affected family members (PMID: 10392743). Computational prediction algorithms indicate this variant is likely to affect gene or protein function. Given the available evidence, this variant is classified as Pathogenic.

Genesolutions, Medical Genetics Institutes, Ho Chi Minh City, Vietnam
Classification: Pathogenic for PMM2-congenital disorder of glycosylation. Last evaluated: 2025-09-24. Review status: criteria provided, single submitter. Criteria: ACMG Guidelines, 2015. Collection method: clinical testing. Allele origin: germline. Affected: yes.

Women's Health and Genetics/Laboratory Corporation of America, LabCorp
Classification: Pathogenic for PMM2-congenital disorder of glycosylation. Last evaluated: 2025-07-10. Review status: criteria provided, single submitter. Criteria: LabCorp Variant Classification Summary - May 2015. Collection method: clinical testing. Allele origin: germline.
Comment: Variant summary: PMM2 c.430T>C (p.Phe144Leu) results in a non-conservative amino acid change in the encoded protein sequence. Algorithms developed to predict the effect of missense changes on protein structure and function all suggest that this variant is likely to be disruptive. The variant allele was found at a frequency of 0.00016 in 188306 control chromosomes. This frequency is not significantly higher than estimated for a pathogenic variant in PMM2 causing Congenital Disorder Of Glycosylation Type 1a (0.00016 vs 0.0056), allowing no conclusion about variant significance. c.430T>C has been observed in multiple individuals affected with Congenital Disorder Of Glycosylation Type 1a (Kondo_1999, Al Teneiji_2017, Lin_2020, Wang_2019). These data indicate that the variant is very likely to be associated with disease. To our knowledge, no experimental evidence demonstrating an impact on protein function has been reported. The following publications have been ascertained in the context of this evaluation (PMID: 28122681, 32635232, 10066032, 33176815, 10392743, 30687093). ClinVar contains an entry for this variant (Variation ID: 197658). Based on the evidence outlined above, the variant was classified as pathogenic.

ARUP Laboratories, Molecular Genetics and Genomics, ARUP Laboratories
Classification: Likely pathogenic for PMM2-congenital disorder of glycosylation. Last evaluated: 2024-10-28. Review status: criteria provided, single submitter. Criteria: ARUP Molecular Germline Variant Investigation Process 2024. Collection method: clinical testing. Allele origin: germline.
Comment: The PMM2 c.430T>C; p.Phe144Leu variant (rs150719105, ClinVar Variation ID: 197658) is reported in the literature in individuals affected with congenital disorder of glycosylation, including individuals who also carry a pathogenic variant in trans (Kane 2016, Kondo 1999, Lin 2020). This variant is found in the general population with an overall allele frequency of 0.02% (37/219716 alleles) in the Genome Aggregation Database (v2.1.1). Computational analyses predict that this variant is deleterious REVEL: 0.956). Based on available information, this variant is considered to be likely pathogenic. References: Kane MS et al. Mitotic Intragenic Recombination: A Mechanism of Survival for Several Congenital Disorders of Glycosylation. Am J Hum Genet. 2016 Feb 4;98(2):339-46. PMID: 26805780. Kondo I et al. Missense mutations in phosphomannomutase 2 gene in two Japanese families with carbohydrate-deficient glycoprotein syndrome type 1. Clin Genet. 1999 Jan;55(1):50-4. PMID: 10066032. Lin L et al. Clinical and genetic characteristics and prenatal diagnosis of patients presented GDD/ID with rare monogenic causes. Orphanet J Rare Dis. 2020 Nov 11;15(1):317. PMID: 33176815.

Fulgent Genetics
Classification: Pathogenic for PMM2-congenital disorder of glycosylation. Last evaluated: 2024-02-10. Review status: criteria provided, single submitter. Criteria: ACMG Guidelines, 2015. Collection method: clinical testing. Allele origin: germline.

Revvity Omics, Revvity
Classification: Likely pathogenic for PMM2-congenital disorder of glycosylation. Last evaluated: 2023-03-30. Review status: criteria provided, single submitter. Criteria: ACMG Guidelines, 2015. Collection method: clinical testing. Allele origin: germline.

Eurofins Ntd Llc (ga)
Classification: Likely pathogenic. Last evaluated: 2017-04-28. Review status: criteria provided, single submitter. Criteria: EGL Classification Definitions 2015. Collection method: clinical testing. Allele origin: germline. Observed: 3 variant alleles, 3 heterozygotes.

GeneDx
Classification: Likely pathogenic. Last evaluated: 2016-11-18. Review status: criteria provided, single submitter. Criteria: GeneDx Variant Classification (06012015). Collection method: clinical testing. Allele origin: germline. Affected: yes.
Comment: The F144L variant has previously been reported in unrelated individuals with congenital disorder of glycosylation type 1a (CDG-1a) who were heterozygous for F144L and another missense variant in the PMM2 gene, although the phase of these variants was not reported (Kondo et al., 1999; Kane et al., 2016). The 1000 Genomes Project Consortium reports F144L was observed in 2/1008 alleles from individuals of East Asian background. The F144L variant is a conservative amino acid substitution, which is not likely to impact secondary protein structure as these residues share similar properties. This substitution occurs at a position that is conserved across species, and in silico analysis predicts this variant is probably damaging to the protein structure/function. Missense variants in nearby residues (E139K, R141H, D148N) have been reported in the Human Gene Mutation Database in association with CDG-1a (Stenson et al., 2014), supporting the functional importance of this region of the protein. Therefore, this variant is likely pathogenic; however, the possibility that it is benign cannot be excluded.

Juno Genomics, Hangzhou Juno Genomics, Inc
Classification: Pathogenic for PMM2-congenital disorder of glycosylation. Review status: criteria provided, single submitter. Criteria: ACMG Guidelines, 2015. Collection method: clinical testing. Allele origin: germline. Affected: yes.
Comment: For recessive disorders, detected in trans with a pathogenic variant.;Multiple lines of computational evidence support a deleterious effect on the gene or gene product (conservation, evolutionary, splicing impact, etc).;Co-segregation with disease in multiple affected family members in a gene definitively known to cause the disease.

Department of Rehabilitation, Anhui Provincial Children's Hospital
Classification: Pathogenic for PMM2-congenital disorder of glycosylation. Last evaluated: 2023-11-23. Review status: no assertion criteria provided. Collection method: clinical testing. Allele origin: paternal. Affected: yes. Not counted in ClinVar's aggregate classification.
Comment: This variant is a missense mutation. REVEL prediction results suggest that this variant has a damaging effect on the gene or gene product.

Counsyl
Classification: Likely pathogenic for PMM2-congenital disorder of glycosylation. Last evaluated: 2017-04-18. Review status: no assertion criteria provided. Collection method: clinical testing. Allele origin: unknown. Not counted in ClinVar's aggregate classification.

Literature cited by the submitters: PubMed 10066032 (cited by 4 submitters); PubMed 28122681 (cited by 4 submitters); PubMed 30687093 (cited by Labcorp Genetics (formerly Invitae), Labcorp and Women's Health and Genetics/Laboratory Corporation of America, LabCorp); PubMed 33176815 (cited by Natera, Inc. and Women's Health and Genetics/Laboratory Corporation of America, LabCorp); PubMed 10392743 (cited by Natera, Inc. and Women's Health and Genetics/Laboratory Corporation of America, LabCorp); PubMed 32635232 (cited by Women's Health and Genetics/Laboratory Corporation of America, LabCorp); PubMed 26805780 (cited by Counsyl); PubMed 26206375 (cited by Counsyl); PubMed 21228398 (cited by Counsyl).

NM_000303.3(PMM2):c.430T>C (p.Phe144Leu)

Gene: PMM2 (phosphomannomutase 2; plus strand). Cytogenetic location: 16p13.2.
Variant type: single nucleotide variant.
Coding change: c.430T>C on transcript NM_000303.3 (MANE Select); coding-DNA position 430, T replaced by C.
Protein change: p.Phe144Leu; replaces phenylalanine 144 with leucine.
Molecular consequence: missense variant.
Genome position (GRCh38, 1-based): chr16:8,811,161, T>C. VCF-style: chr16-8811161-T-C. GRCh37 (hg19) VCF-style: chr16-8905018-T-C.
Other names: short protein forms F144L.
Identifiers: ClinVar variation 197658 (VCV000197658.31), dbSNP rs150719105, ClinGen allele CA245915.